The following is an entry in ClinVar:

ClinVar aggregate classification (germline): Likely benign. Review status: criteria provided, multiple submitters, no conflicts (2 of 4 stars). 5 submissions from 5 submitters: Likely benign (5). Last evaluated 2020-11-03.

Conditions:
Hereditary cancer-predisposing syndrome. Also called: Neoplastic Syndromes, Hereditary; Hereditary neoplastic syndrome; Tumor predisposition; Hereditary Cancer Syndrome. Identifiers: Orphanet 140162, MedGen C0027672, MeSH D009386, MONDO:0015356.
Ataxia-telangiectasia syndrome (AT). Also called: Ataxia telangiectasia (A-T); Cerebello-oculocutaneous telangiectasia; Immunodeficiency with ataxia telangiectasia; LOUIS-BAR SYNDROME; AT, COMPLEMENTATION GROUP C; ATAXIA-TELANGIECTASIA, FRESNO VARIANT. Identifiers: Orphanet 100, MedGen C0004135, MONDO:0008840, OMIM 208900.

gnomAD v4.1: 2 of 1,614,192 alleles (0.00012%); highest among the groups gnomAD compares: Non-Finnish European, 0.00017%; no homozygotes.

Submissions (5):

Labcorp Genetics (formerly Invitae), Labcorp
Classification: Likely benign for Ataxia-telangiectasia syndrome. Last evaluated: 2020-11-03. Review status: criteria provided, single submitter. Criteria: Invitae Variant Classification Sherloc (09022015). Collection method: clinical testing. Allele origin: germline.

Women's Health and Genetics/Laboratory Corporation of America, LabCorp
Classification: Likely benign. Last evaluated: 2020-01-25. Review status: criteria provided, single submitter. Criteria: LabCorp Variant Classification Summary - May 2015. Collection method: clinical testing. Allele origin: germline.

Color Diagnostics, LLC DBA Color Health
Classification: Likely benign for Hereditary cancer-predisposing syndrome. Last evaluated: 2019-10-03. Review status: criteria provided, single submitter. Criteria: ACMG Guidelines, 2015. Collection method: clinical testing. Allele origin: germline.

GeneDx
Classification: Likely benign. Last evaluated: 2017-03-10. Review status: criteria provided, single submitter. Criteria: GeneDx Variant Classification (06012015). Collection method: clinical testing. Allele origin: germline. Affected: yes.
Comment: This variant is considered likely benign or benign based on one or more of the following criteria: it is a conservative change, it occurs at a poorly conserved position in the protein, it is predicted to be benign by multiple in silico algorithms, and/or has population frequency not consistent with disease.

Ambry Genetics
Classification: Likely benign for Hereditary cancer-predisposing syndrome. Last evaluated: 2015-09-18. Review status: criteria provided, single submitter. Criteria: Ambry Variant Classification Scheme 2023. Collection method: clinical testing. Allele origin: germline.

NM_000051.4(ATM):c.6516A>C (p.Thr2172=)

Genes: C11orf65 (chromosome 11 open reading frame 65; minus strand), ATM (ATM serine/threonine kinase; plus strand). Cytogenetic location: 11q22.3.
Variant type: single nucleotide variant.
Coding change: c.6516A>C on transcript NM_000051.4 (MANE Select); coding-DNA position 6516, A replaced by C.
Protein change: p.Thr2172=; no amino-acid change (threonine 2172 retained).
Molecular consequence: synonymous variant. On other transcripts: intron variant (2).
Genome position (GRCh38, 1-based): chr11:108,321,364, A>C. VCF-style: chr11-108321364-A-C. GRCh37 (hg19) VCF-style: chr11-108192091-A-C.
Other names: c.6516A>C, p.Thr2172= (NM_001351834.2); c.641-12293T>G (NM_001330368.2); c.*39-12293T>G (NM_001351110.2).
Identifiers: ClinVar variation 233957 (VCV000233957.16), dbSNP rs576254168, ClinGen allele CA10579224.